The following is an entry in ClinVar:

ClinVar aggregate classification (germline): Uncertain significance. Review status: criteria provided, multiple submitters, no conflicts (2 of 4 stars). 3 submissions from 3 submitters: Uncertain significance (3). Last evaluated 2024-02-24.

Conditions:
Hereditary cancer-predisposing syndrome. Also called: Hereditary neoplastic syndrome; Neoplastic Syndromes, Hereditary; Tumor predisposition; Hereditary Cancer Syndrome. Identifiers: Orphanet 140162, MedGen C0027672, MeSH D009386, MONDO:0015356.
Familial adenomatous polyposis 1 (FAP1). Also called: POLYPOSIS, ADENOMATOUS INTESTINAL; FAMILIAL ADENOMATOUS POLYPOSIS 1, ATTENUATED. Identifiers: MedGen C2713442, MONDO:0021056, OMIM 175100. Disease mechanism: loss of function.

Allele frequency attached by ClinVar (database versions not stated): TOPMed below 0.00001.
gnomAD v4.1: 1 of 1,613,926 alleles (0.000062%); highest among the groups gnomAD compares: African/African-American, 0.0013%; no homozygotes.

Submissions (3):

Ambry Genetics
Classification: Uncertain significance for Hereditary cancer-predisposing syndrome. Last evaluated: 2024-02-24. Review status: criteria provided, single submitter. Criteria: Ambry Variant Classification Scheme 2023. Collection method: clinical testing. Allele origin: germline.
Comment: The p.G2383D variant (also known as c.7148G>A), located in coding exon 15 of the APC gene, results from a G to A substitution at nucleotide position 7148. The glycine at codon 2383 is replaced by aspartic acid, an amino acid with similar properties. This amino acid position is conserved. In addition, in silico predictors for this gene do not accurately predict pathogenicity. Based on the available evidence, the clinical significance of this alteration remains unclear.

Color Diagnostics, LLC DBA Color Health
Classification: Uncertain significance for Hereditary cancer-predisposing syndrome. Last evaluated: 2023-12-05. Review status: criteria provided, single submitter. Criteria: ACMG Guidelines, 2015. Collection method: clinical testing. Allele origin: germline.
Comment: This missense variant replaces glycine with aspartic acid at codon 2383 of the APC protein. Computational prediction suggests that this variant may not impact protein structure and function. To our knowledge, functional studies have not been reported for this variant. This variant has not been reported in individuals affected with APC-related disorders in the literature. This variant has been identified in 1/250230 chromosomes in the general population by the Genome Aggregation Database (gnomAD). The available evidence is insufficient to determine the role of this variant in disease conclusively. Therefore, this variant is classified as a Variant of Uncertain Significance.

Labcorp Genetics (formerly Invitae), Labcorp
Classification: Uncertain significance for Familial adenomatous polyposis 1. Last evaluated: 2020-06-03. Review status: criteria provided, single submitter. Criteria: Invitae Variant Classification Sherloc (09022015). Collection method: clinical testing. Allele origin: germline.
Comment: In summary, this variant is a novel missense change with uncertain impact on protein function. It has been classified as a Variant of Uncertain Significance. Algorithms developed to predict the effect of missense changes on protein structure and function do not agree on the potential impact of this missense change (SIFT: "Tolerated"; PolyPhen-2: "Possibly Damaging"; Align-GVGD: "Class C0"). This variant is not present in population databases (ExAC no frequency) and has not been reported in the literature in individuals with an APC-related disease. This sequence change replaces glycine with aspartic acid at codon 2383 of the APC protein (p.Gly2383Asp). The glycine residue is highly conserved and there is a moderate physicochemical difference between glycine and aspartic acid.

NM_000038.6(APC):c.7148G>A (p.Gly2383Asp)

Gene: APC (APC regulator of Wnt signaling pathway; plus strand). Cytogenetic location: 5q22.2.
Variant type: single nucleotide variant.
Coding change: c.7148G>A on transcript NM_000038.6 (MANE Select); coding-DNA position 7148, G replaced by A.
Protein change: p.Gly2383Asp; replaces glycine 2383 with aspartic acid.
Molecular consequence: missense variant.
Genome position (GRCh38, 1-based): chr5:112,842,742, G>A. VCF-style: chr5-112842742-G-A. GRCh37 (hg19) VCF-style: chr5-112178439-G-A.
Other names: c.7148G>A, p.Gly2383Asp (NM_001127510.3, NM_001354895.2); c.7094G>A, p.Gly2365Asp (NM_001127511.3); c.7202G>A, p.Gly2401Asp (NM_001354896.2); c.7178G>A, p.Gly2393Asp (NM_001354897.2); c.7073G>A, p.Gly2358Asp (NM_001354898.2); c.7064G>A, p.Gly2355Asp (NM_001354899.2); c.7025G>A, p.Gly2342Asp (NM_001354900.2); c.6971G>A, p.Gly2324Asp (NM_001354901.2); and 5 more; short protein forms G2365D, G2383D, G2292D, G2393D, G2223D, G2355D, G2100D, G2257D.
Identifiers: ClinVar variation 470079 (VCV000470079.12), dbSNP rs754320004, ClinGen allele CA16036898.